The following is an entry in ClinVar:

ClinVar aggregate classification (germline): Conflicting classifications of pathogenicity. Review status: criteria provided, conflicting classifications (1 of 4 stars). 3 submissions from 3 submitters: Uncertain significance (2); Likely benign (1). Last evaluated 2022-11-11.

Conditions:
DEPDC5-related disorder. Also called: DEPDC5-related condition; DEPDC5-related related disorder.
Familial focal epilepsy with variable foci (FPEVF). Identifiers: Orphanet 98820, MedGen C1858477, MONDO:0020310.
Inborn genetic diseases. Identifiers: MedGen C0950123, MeSH D030342.

Allele frequency attached by ClinVar (database versions not stated): gnomAD 0.00001; ExAC 0.00005.
gnomAD v4.1: 24 of 1,606,906 alleles (0.0015%); highest among the groups gnomAD compares: South Asian, 0.025%; no homozygotes.

Submissions (3):

PreventionGenetics, part of Exact Sciences
Classification: Uncertain significance for DEPDC5-related condition. Last evaluated: 2022-11-11. Review status: criteria provided, single submitter. Criteria: ACMG Guidelines, 2015. Collection method: clinical testing. Allele origin: germline.
Comment: The DEPDC5 c.3571G>A variant is predicted to result in the amino acid substitution p.Val1191Ile. To our knowledge, this variant has not been reported in the literature. This variant is reported in 0.028% of alleles in individuals of South Asian descent in gnomAD. At this time, the clinical significance of this variant is uncertain due to the absence of conclusive functional and genetic evidence.

Labcorp Genetics (formerly Invitae), Labcorp
Classification: Uncertain significance for Familial focal epilepsy with variable foci. Last evaluated: 2022-10-27. Review status: criteria provided, single submitter. Criteria: Invitae Variant Classification Sherloc (09022015). Collection method: clinical testing. Allele origin: germline.
Comment: This sequence change replaces valine, which is neutral and non-polar, with isoleucine, which is neutral and non-polar, at codon 1191 of the DEPDC5 protein (p.Val1191Ile). This variant is present in population databases (rs777200870, gnomAD 0.03%). This variant has not been reported in the literature in individuals affected with DEPDC5-related conditions. Algorithms developed to predict the effect of missense changes on protein structure and function output the following: SIFT: "Tolerated"; PolyPhen-2: "Not Available"; Align-GVGD: "Class C0". The isoleucine amino acid residue is found in multiple mammalian species, which suggests that this missense change does not adversely affect protein function. In summary, the available evidence is currently insufficient to determine the role of this variant in disease. Therefore, it has been classified as a Variant of Uncertain Significance.

Ambry Genetics
Classification: Likely benign for Inborn genetic diseases. Last evaluated: 2017-10-11. Review status: criteria provided, single submitter. Criteria: Ambry Variant Classification Scheme 2023. Collection method: clinical testing. Allele origin: germline.

NM_001242896.3(DEPDC5):c.3571G>A (p.Val1191Ile)

Gene: DEPDC5 (DEP domain containing 5, GATOR1 subcomplex subunit; plus strand). Cytogenetic location: 22q12.3.
Variant type: single nucleotide variant.
Coding change: c.3571G>A on transcript NM_001242896.3 (MANE Select); coding-DNA position 3571, G replaced by A.
Protein change: p.Val1191Ile; replaces valine 1191 with isoleucine.
Molecular consequence: missense variant. On other transcripts: non-coding transcript variant (4).
Genome position (GRCh38, 1-based): chr22:31,874,280, G>A. VCF-style: chr22-31874280-G-A. GRCh37 (hg19) VCF-style: chr22-32270266-G-A.
Other names: c.3544G>A, p.Val1182Ile (NM_001136029.4); c.3271G>A, p.Val1091Ile (NM_001242897.2); c.3505G>A, p.Val1169Ile (NM_001363852.2, NM_001364320.2); c.3337G>A, p.Val1113Ile (NM_001363854.2, NM_001364319.2); c.3571G>A, p.Val1191Ile (NM_001364318.2); c.3487G>A, p.Val1163Ile (NM_001369901.1, NM_001369902.1); c.3478G>A, p.Val1160Ile (NM_001369903.1, NM_014662.6); short protein forms V1091I, V1182I, V1160I, V1163I, V1191I, V1169I, V1113I.
Identifiers: ClinVar variation 1732806 (VCV001732806.7), dbSNP rs777200870, ClinGen allele CA10197038.